The following is an entry in ClinVar:

NM_000038.6(APC):c.2968G>A (p.Asp990Asn)

Gene: APC (APC regulator of Wnt signaling pathway; plus strand). Cytogenetic location: 5q22.2.
Variant type: single nucleotide variant.
Coding change: c.2968G>A on transcript NM_000038.6 (MANE Select); coding-DNA position 2968, G replaced by A.
Protein change: p.Asp990Asn; replaces aspartic acid 990 with asparagine.
Molecular consequence: missense variant.
Genome position (GRCh38, 1-based): chr5:112,838,562, G>A. VCF-style: chr5-112838562-G-A. GRCh37 (hg19) VCF-style: chr5-112174259-G-A.
Other names: c.2968G>A, p.Asp990Asn (NM_001127510.3, NM_001354895.2); c.2914G>A, p.Asp972Asn (NM_001127511.3); c.3022G>A, p.Asp1008Asn (NM_001354896.2); c.2998G>A, p.Asp1000Asn (NM_001354897.2); c.2893G>A, p.Asp965Asn (NM_001354898.2); c.2884G>A, p.Asp962Asn (NM_001354899.2); c.2845G>A, p.Asp949Asn (NM_001354900.2); c.2791G>A, p.Asp931Asn (NM_001354901.2); and 5 more; short protein forms D707N, D949N, D965N, D830N, D931N, D972N, D990N, D864N.
Identifiers: ClinVar variation 848796 (VCV000848796.11), dbSNP rs1765306627, ClinGen allele CA16027816.

ClinVar aggregate classification (germline): Uncertain significance. Review status: criteria provided, multiple submitters, no conflicts (2 of 4 stars). 3 submissions from 3 submitters: Uncertain significance (3). Last evaluated 2026-06-05.

Conditions:
Familial adenomatous polyposis 1 (FAP1). Also called: FAMILIAL ADENOMATOUS POLYPOSIS 1, ATTENUATED; POLYPOSIS, ADENOMATOUS INTESTINAL. Identifiers: MedGen C2713442, MONDO:0021056, OMIM 175100. Disease mechanism: loss of function.
Hereditary cancer-predisposing syndrome. Also called: Tumor predisposition; Neoplastic Syndromes, Hereditary; Hereditary neoplastic syndrome; Hereditary Cancer Syndrome. Identifiers: Orphanet 140162, MedGen C0027672, MeSH D009386, MONDO:0015356.

Submissions (3):

Ambry Genetics
Classification: Uncertain significance for Hereditary cancer-predisposing syndrome. Last evaluated: 2026-06-05. Review status: criteria provided, single submitter. Criteria: Ambry Variant Classification Scheme 2023. Collection method: clinical testing. Allele origin: germline.
Comment: The p.D990N variant (also known as c.2968G>A), located in coding exon 15 of the APC gene, results from a G to A substitution at nucleotide position 2968. The aspartic acid at codon 990 is replaced by asparagine, an amino acid with highly similar properties. This amino acid position is highly conserved in available vertebrate species. In addition, in silico predictors for this gene do not accurately predict pathogenicity. Missense variants in APC are not a common cause of disease (Spier I et al. Genet Med. 2024 Feb;26(2):100992). Based on the available evidence, the clinical significance of this variant remains unclear.

ARUP Laboratories, Molecular Genetics and Genomics, ARUP Laboratories
Classification: Uncertain significance. Last evaluated: 2024-11-23. Review status: criteria provided, single submitter. Criteria: ARUP Molecular Germline Variant Investigation Process 2024. Collection method: clinical testing. Allele origin: germline.
Comment: The APC c.2968G>A; p.Asp990Asn variant (rs1765306627), to our knowledge, is not reported in the medical literature but is reported in ClinVar (Variation ID: 848796). This variant is absent from the Genome Aggregation Database (v2.1.1), indicating it is not a common polymorphism. Computational analyses are uncertain whether this variant is neutral or deleterious (REVEL: 0.374). Due to limited information, the clinical significance of this variant is uncertain at this time.

Labcorp Genetics (formerly Invitae), Labcorp
Classification: Uncertain significance for Familial adenomatous polyposis 1. Last evaluated: 2023-12-01. Review status: criteria provided, single submitter. Criteria: Invitae Variant Classification Sherloc (09022015). Collection method: clinical testing. Allele origin: germline.
Comment: This sequence change replaces aspartic acid, which is acidic and polar, with asparagine, which is neutral and polar, at codon 990 of the APC protein (p.Asp990Asn). This variant is not present in population databases (gnomAD no frequency). This variant has not been reported in the literature in individuals affected with APC-related conditions. ClinVar contains an entry for this variant (Variation ID: 848796). Advanced modeling of protein sequence and biophysical properties (such as structural, functional, and spatial information, amino acid conservation, physicochemical variation, residue mobility, and thermodynamic stability) performed at Invitae indicates that this missense variant is not expected to disrupt APC protein function with a negative predictive value of 95%. In summary, the available evidence is currently insufficient to determine the role of this variant in disease. Therefore, it has been classified as a Variant of Uncertain Significance.